The following is an entry in ClinVar:

NM_001292063.2(OTOG):c.2525C>A (p.Pro842His)

Gene: OTOG (otogelin; plus strand). Cytogenetic location: 11p15.1.
Variant type: single nucleotide variant.
Coding change: c.2525C>A on transcript NM_001292063.2 (MANE Select); coding-DNA position 2525, C replaced by A.
Protein change: p.Pro842His; replaces proline 842 with histidine.
Molecular consequence: missense variant.
Genome position (GRCh38, 1-based): chr11:17,576,594, C>A. VCF-style: chr11-17576594-C-A. GRCh37 (hg19) VCF-style: chr11-17598141-C-A.
Other names: c.2561C>A, p.Pro854His (NM_001277269.2); short protein forms P842H, P854H.
Identifiers: ClinVar variation 997901 (VCV000997901.11), dbSNP rs560987450, ClinGen allele CA5905633.

ClinVar aggregate classification (germline): Conflicting classifications of pathogenicity. Review status: criteria provided, conflicting classifications (1 of 4 stars). 6 submissions from 6 submitters: Uncertain significance (5); Likely benign (1). Last evaluated 2026-05-01.

Conditions:
OTOG-related disorder. Also called: OTOG-related condition.

Allele frequency attached by ClinVar (database versions not stated): TOPMed 0.00001; gnomAD 0.00002 and 0.00011; 1000 Genomes Project 0.00060; 1000 Genomes Project 30x 0.00078.
gnomAD v4.1: 105 of 1,550,506 alleles (0.0068%); highest among the groups gnomAD compares: South Asian, 0.11%; 2 homozygotes.

Submissions (6):

CeGaT Center for Human Genetics Tuebingen
Classification: Likely benign. Last evaluated: 2026-05-01. Review status: criteria provided, single submitter. Criteria: CeGaT Center For Human Genetics Tuebingen Variant Classification Criteria Version 2. Collection method: clinical testing. Allele origin: germline. Affected: yes. Observed: 1 variant allele.
Comment: OTOG: BP4

GeneDx
Classification: Uncertain significance. Last evaluated: 2025-10-01. Review status: criteria provided, single submitter. Criteria: GeneDx Variant Classification Process June 2021. Collection method: clinical testing. Allele origin: germline.
Comment: In silico analysis suggests that this missense variant does not alter protein structure/function; Has not been previously published as pathogenic or benign to our knowledge

PreventionGenetics, part of Exact Sciences
Classification: Uncertain significance for OTOG-related condition. Last evaluated: 2025-05-30. Review status: criteria provided, single submitter. Criteria: ACMG Guidelines, 2015. Collection method: clinical testing. Allele origin: germline.
Comment: The OTOG c.2561C>A variant is predicted to result in the amino acid substitution p.Pro854His. To our knowledge, this variant has not been reported in the literature. This variant is reported in 0.10% of alleles in individuals of South Asian descent in gnomAD. Although we suspect that this variant may be benign, at this time, the clinical significance of this variant is uncertain due to the absence of conclusive functional and genetic evidence.

Labcorp Genetics (formerly Invitae), Labcorp
Classification: Uncertain significance. Last evaluated: 2025-03-05. Review status: criteria provided, single submitter. Criteria: Invitae Variant Classification Sherloc (09022015). Collection method: clinical testing. Allele origin: germline.
Comment: This sequence change replaces proline, which is neutral and non-polar, with histidine, which is basic and polar, at codon 854 of the OTOG protein (p.Pro854His). This variant is present in population databases (rs560987450, gnomAD 0.09%). This variant has not been reported in the literature in individuals affected with OTOG-related conditions. ClinVar contains an entry for this variant (Variation ID: 997901). An algorithm developed to predict the effect of missense changes on protein structure and function (PolyPhen-2) suggests that this variant is likely to be disruptive. In summary, the available evidence is currently insufficient to determine the role of this variant in disease. Therefore, it has been classified as a Variant of Uncertain Significance.

Women's Health and Genetics/Laboratory Corporation of America, LabCorp
Classification: Uncertain significance. Last evaluated: 2021-02-12. Review status: criteria provided, single submitter. Criteria: LabCorp Variant Classification Summary - May 2015. Collection method: clinical testing. Allele origin: germline.
Comment: Variant summary: OTOG c.2561C>A (p.Pro854His) results in a non-conservative amino acid change in the encoded protein sequence. Three of five in-silico tools predict a benign effect of the variant on protein function. The variant allele was found at a frequency of 0.00016 in 149590 control chromosomes, predominantly within the South Asian subpopulation at a frequency of 0.001 (gnomAD v2.1 database). To our knowledge, no occurrence of c.2561C>A in individuals affected with Deafness, Autosomal Recessive 18b and no experimental evidence demonstrating its impact on protein function have been reported. No clinical diagnostic laboratories have submitted clinical-significance assessments for this variant to ClinVar after 2014. Based on the evidence outlined above, the variant was classified as uncertain significance.

Breakthrough Genomics
Classification: Uncertain significance. Review status: criteria provided, single submitter. Criteria: ACMG Guidelines, 2015. Collection method: not provided. Allele origin: germline. Inheritance: Autosomal recessive inheritance. Affected: yes.